The following is an entry in ClinVar:

ClinVar aggregate classification (germline): Conflicting classifications of pathogenicity. Review status: criteria provided, conflicting classifications (1 of 4 stars). 6 submissions from 6 submitters: Uncertain significance (1); Likely benign (5). Last evaluated 2026-04-24.

Conditions:
ADAMTS17-related disorder. Also called: ADAMTS17-related condition.
Weill-Marchesani 4 syndrome, recessive. Also called: Weill-Marchesani syndrome 4. Identifiers: Orphanet 363992, MedGen C2750787, MONDO:0013176, OMIM 613195.

Allele frequency attached by ClinVar (database versions not stated): ESP Exome Variant Server 0.00015; ExAC 0.00026; gnomAD exomes 0.00029; 1000 Genomes Project 30x 0.00031; gnomAD 0.00036 and 0.00037; TOPMed 0.00038; 1000 Genomes Project 0.00040.
gnomAD v4.1: 354 of 1,614,156 alleles (0.022%); highest among the groups gnomAD compares: Middle Eastern, 0.2%; no homozygotes.

Submissions (6):

PreventionGenetics, part of Exact Sciences
Classification: Likely benign for ADAMTS17-related condition. Last evaluated: 2026-04-24. Review status: criteria provided, single submitter. Criteria: ACMG Guidelines, 2015. Collection method: clinical testing. Allele origin: germline.
Comment: This variant is classified as likely benign based on ACMG/AMP sequence variant interpretation guidelines (Richards et al. 2015 PMID: 25741868, with internal and published modifications).

Labcorp Genetics (formerly Invitae), Labcorp
Classification: Likely benign. Last evaluated: 2025-11-27. Review status: criteria provided, single submitter. Criteria: Invitae Variant Classification Sherloc (09022015). Collection method: clinical testing. Allele origin: germline.

Mayo Clinic Laboratories, Mayo Clinic
Classification: Likely benign. Last evaluated: 2025-06-09. Review status: criteria provided, single submitter. Criteria: ACMG Guidelines, 2015. Collection method: clinical testing. Allele origin: germline. Observed: 1 variant allele.
Comment: BS1, BP4, BP7

Blueprint Genetics
Classification: Likely benign. Last evaluated: 2024-02-08. Review status: criteria provided, single submitter. Criteria: ACMG Guidelines, 2015. Collection method: clinical testing. Allele origin: germline.

CeGaT Center for Human Genetics Tuebingen
Classification: Likely benign. Last evaluated: 2022-12-01. Review status: criteria provided, single submitter. Criteria: CeGaT Center For Human Genetics Tuebingen Variant Classification Criteria Version 2. Collection method: clinical testing. Allele origin: germline. Affected: yes. Observed: 1 variant allele.
Comment: ADAMTS17: BP4, BP7

Illumina Laboratory Services, Illumina
Classification: Uncertain significance for Weill-Marchesani 4 syndrome, recessive. Last evaluated: 2018-01-12. Review status: criteria provided, single submitter. Criteria: ICSL Variant Classification Criteria 13 December 2019. Collection method: clinical testing. Allele origin: germline.

NM_139057.4(ADAMTS17):c.1398G>A (p.Pro466=)

Gene: ADAMTS17 (ADAM metallopeptidase with thrombospondin type 1 motif 17; minus strand). Cytogenetic location: 15q26.3.
Variant type: single nucleotide variant.
Coding change: c.1398G>A on transcript NM_139057.4 (MANE Select); coding-DNA position 1398, G replaced by A.
Protein change: p.Pro466=; no amino-acid change (proline 466 retained).
Molecular consequence: synonymous variant.
Genome position (GRCh38, 1-based): chr15:100,152,687, C>T on the plus strand (G>A on the coding strand, the complement: ADAMTS17 is on the minus strand). VCF-style: chr15-100152687-C-T. GRCh37 (hg19) VCF-style: chr15-100692892-C-T.
Other names: p.Pro466=; c.1398G>A (NM_139057.3).
Identifiers: ClinVar variation 315292 (VCV000315292.39), dbSNP rs149252796, ClinGen allele CA7758258.